The following is an entry in ClinVar:

NM_000138.5(FBN1):c.6375A>G (p.Ala2125=)

Gene: FBN1 (fibrillin 1; minus strand). Cytogenetic location: 15q21.1.
Variant type: single nucleotide variant.
Coding change: c.6375A>G on transcript NM_000138.5 (MANE Select); coding-DNA position 6375, A replaced by G.
Protein change: p.Ala2125=; no amino-acid change (alanine 2125 retained).
Molecular consequence: synonymous variant.
Genome position (GRCh38, 1-based): chr15:48,437,326, T>C on the plus strand (A>G on the coding strand, the complement: FBN1 is on the minus strand). VCF-style: chr15-48437326-T-C. GRCh37 (hg19) VCF-style: chr15-48729523-T-C.
Identifiers: ClinVar variation 1101287 (VCV001101287.10), dbSNP rs2141240830, ClinGen allele CA490019251.

ClinVar aggregate classification (germline): Likely benign. Review status: criteria provided, multiple submitters, no conflicts (2 of 4 stars). 2 submissions from 2 submitters: Likely benign (2). Last evaluated 2023-03-23.

Conditions:
Familial thoracic aortic aneurysm and aortic dissection (TAAD). Also called: Thoracic aortic aneurysms and dissections. Identifiers: Orphanet 91387, MedGen C4707243, MONDO:0019625.
Marfan syndrome (MFS). Also called: Marfan syndrome type 1; Marfan's syndrome; Marfan syndrome, classic; MARFAN SYNDROME, TYPE I; FBN1-Related Marfan Syndrome. Identifiers: Orphanet 284963, Orphanet 558, MedGen C0024796, MONDO:0007947, OMIM 154700.

gnomAD v4.1: 1 of 1,613,324 alleles (0.000062%); highest among the groups gnomAD compares: Non-Finnish European, 0.000085%; no homozygotes.

Submissions (2):

All of Us Research Program, National Institutes of Health
Classification: Likely benign for Marfan syndrome. Last evaluated: 2023-03-23. Review status: criteria provided, single submitter. Criteria: ACMG Guidelines, 2015. Collection method: clinical testing. Allele origin: germline. Inheritance: Autosomal dominant inheritance. Observed: 1 variant allele, 1 heterozygote.
Comment: This study involves interpretation of variants in research participants for the purpose of population health screening. Participant phenotype was not available at the time of variant classification. Additional details can be found in publication PMID: 35346344, PMCID: PMC8962531

Labcorp Genetics (formerly Invitae), Labcorp
Classification: Likely benign for Marfan syndrome; Familial thoracic aortic aneurysm and aortic dissection. Last evaluated: 2022-11-04. Review status: criteria provided, single submitter. Criteria: Invitae Variant Classification Sherloc (09022015). Collection method: clinical testing. Allele origin: germline.